The following is an entry in ClinVar:

ClinVar aggregate classification (germline): Uncertain significance (1 of 4 stars; one submission).

Conditions:
Hereditary cancer-predisposing syndrome. Also called: Hereditary neoplastic syndrome; Neoplastic Syndromes, Hereditary; Tumor predisposition; Hereditary Cancer Syndrome. Identifiers: Orphanet 140162, MedGen C0027672, MeSH D009386, MONDO:0015356.

Submission:

Ambry Genetics
Classification: Uncertain significance for Hereditary cancer-predisposing syndrome. Last evaluated: 2024-12-19. Review status: criteria provided, single submitter. Criteria: Ambry Variant Classification Scheme 2023. Collection method: clinical testing. Allele origin: germline.
Comment: The c.2040_2040+2delTGT variant results from a deletion of three nucleotides between nucleotide positions 2040 and 2040+2 and involves the canonical splice donor site after coding exon 11 of the DICER1 gene. The canonical splice donor site is highly conserved in available vertebrate species. In silico splice site analysis predicts that this alteration will weaken the native splice donor site and will result in the creation or strengthening of a novel splice donor site. RNA studies have demonstrated that this alteration results in a transcript predicted to lead to a protein with an in-frame deletion of 1 amino acid; however, the exact functional impact of the deleted amino acid is unknown at this time (Ambry internal data). Based on the available evidence, the clinical significance of this variant remains unclear.

NM_177438.3(DICER1):c.2040_2040+2del

Gene: DICER1 (dicer 1, ribonuclease III; minus strand). Cytogenetic location: 14q32.13.
Variant type: Microsatellite.
Coding change: c.2040_2040+2del on transcript NM_177438.3 (MANE Select); coding-DNA position 2040 through the canonical splice donor site of the intron after coding-DNA position 2040, 3 bases deleted (TGT; older notation c.2040_2040+2delTGT).
Molecular consequence: splice donor variant.
Genome position (GRCh38, 1-based): chr14:95,113,090-95,113,092, ACA deleted on the plus strand (TGT on the coding strand, the reverse complement: DICER1 is on the minus strand); deleting any 3 consecutive bases within chr14:95,113,090-95,113,096 gives the same sequence; the c. name uses the placement nearest the transcript's 3' end. VCF-style (leftmost placement, unchanged base first): chr14-95113089-TACA-T. GRCh37 (hg19) VCF-style: chr14-95579426-TACA-T.
Other names: c.2040_2040+2del (NM_001291628.2, NM_030621.4, NM_001395677.1 and 12 more transcripts); c.1635_1635+2del (NM_001395690.1, NM_001395687.1, NM_001395689.1 and 3 more transcripts); c.1758_1758+2del (NM_001395686.1); c.1473_1473+2del (NM_001395691.1); c.357_357+2del (NM_001395697.1).
Identifiers: ClinVar variation 3839981 (VCV003839981.1).
Genomic context (GRCh38, chr14:95,113,089, plus strand): 5'-GCTGAAAAAATCCACTAATGACACATTTTAAAAGATAACAATCATTTCTTCTTCTAAACT[TACA>T]ACAATGGAGGCTCGAAGAGGTGAGTTAATTGGCAGATAAAGAGTTGAATAAAATGTACCA-3'